The following is an entry in ClinVar:

ClinVar aggregate classification (germline): Pathogenic/Likely pathogenic. Review status: criteria provided, multiple submitters, no conflicts (2 of 4 stars). 10 submissions from 9 submitters: Pathogenic (7); Likely pathogenic (2). 1 of the submissions does not count toward it. Last evaluated 2026-04-01.

Conditions:
Hearing loss, autosomal recessive. Also called: Rare autosomal recessive non-syndromic sensorineural deafness type DFNB; Autosomal recessive nonsyndromic deafness; Deafness, autosomal recessive; Nonsyndromic Hearing Loss, Recessive. Identifiers: Orphanet 90635, Orphanet 90636, MedGen C1846647, MONDO:0019588, OMIM 607197.
Autosomal recessive nonsyndromic hearing loss 77. Identifiers: Orphanet 90636, MedGen C2746083, MONDO:0013119, OMIM 613079.
Hearing impairment. Also called: Impaired Hearing. Identifiers: MedGen C1384666, MONDO:0005365, HP:0000365.
LOXHD1-related disorder. Also called: LOXHD1-related condition.

Allele frequency attached by ClinVar (database versions not stated): TOPMed 0.00004; gnomAD 0.00006; 1000 Genomes Project 30x 0.00016; 1000 Genomes Project 0.00020.
gnomAD v4.1: 30 of 703,306 alleles (0.0043%); highest among the groups gnomAD compares: African/African-American, 0.0076%; no homozygotes.

Submissions (10):

CeGaT Center for Human Genetics Tuebingen
Classification: Pathogenic. Last evaluated: 2026-04-01. Review status: criteria provided, single submitter. Criteria: CeGaT Center For Human Genetics Tuebingen Variant Classification Criteria Version 2. Collection method: clinical testing. Allele origin: germline. Affected: yes. Observed: 1 variant allele.
Comment: LOXHD1: PVS1, PM3:Strong, PM2

Labcorp Genetics (formerly Invitae), Labcorp
Classification: Pathogenic. Last evaluated: 2025-11-05. Review status: criteria provided, single submitter. Criteria: Invitae Variant Classification Sherloc (09022015). Collection method: clinical testing. Allele origin: germline.
Comment: This sequence change affects a donor splice site in intron 19 of the LOXHD1 gene. It is expected to disrupt RNA splicing. Variants that disrupt the donor or acceptor splice site typically lead to a loss of protein function (PMID: 16199547), and loss-of-function variants in LOXHD1 are known to be pathogenic (PMID: 19732867, 21465660, 25792669). This variant is present in population databases (rs537227442, gnomAD 0.006%). Disruption of this splice site has been observed in individual(s) with deafness (PMID: 28000701, 29676012). In at least one individual the data is consistent with being in trans (on the opposite chromosome) from a pathogenic variant. ClinVar contains an entry for this variant (Variation ID: 523622). Algorithms developed to predict the effect of sequence changes on RNA splicing suggest that this variant may disrupt the consensus splice site. For these reasons, this variant has been classified as Pathogenic.

Natera, Inc.
Classification: Pathogenic for Autosomal recessive deafness type 77. Last evaluated: 2025-10-13. Review status: criteria provided, single submitter. Criteria: Natera Variant Classification Schema (03/2026). Collection method: clinical testing. Allele origin: germline.
Comment: The c.3061+1G>A variant in LOXHD1 is a canonical splice donor site variant predicted to affect pre-mRNA splicing, which may result in an abnormal transcript and altered protein product. This variant is expected to result in nonsense mediated decay, truncation, or a dysfunctional protein product. This variant is rare in the general population with a frequency below the threshold expected for the associated phenotype(s). This variant has been observed in one or more individuals affected with the associated recessive disease, as either homozygous or compound heterozygous with a second variant (PMID: 37438890, 34440452, 29676012). Given the available evidence, this variant is classified as Pathogenic.

Genomic Medicine Center of Excellence, King Faisal Specialist Hospital and Research Centre
Classification: Pathogenic for Autosomal recessive nonsyndromic hearing loss 77. Last evaluated: 2025-09-10. Review status: criteria provided, single submitter. Criteria: ACMG Guidelines, 2015. Collection method: clinical testing. Allele origin: germline.

MGZ Medical Genetics Center
Classification: Pathogenic for Autosomal recessive nonsyndromic hearing loss 77. Last evaluated: 2021-08-23. Review status: criteria provided, single submitter. Criteria: ACMG Guidelines, 2015. Collection method: clinical testing. Allele origin: germline. Affected: yes. Observed: 1 variant allele.
Comment: ACMG criteria applied: PVS1, PM3_STR, PM2_SUP

Fulgent Genetics
Classification: Likely pathogenic for Autosomal recessive nonsyndromic hearing loss 77. Last evaluated: 2021-08-04. Review status: criteria provided, single submitter. Criteria: ACMG Guidelines, 2015. Collection method: clinical testing. Allele origin: unknown.

Department of Otolaryngology – Head & Neck Surgery, Cochlear Implant Center
Classification: Likely pathogenic for Hearing impairment. Last evaluated: 2021-04-12. Review status: criteria provided, single submitter. Criteria: ClinGen HL ACMG Specifications v1. Collection method: clinical testing. Allele origin: germline. Affected: yes.
Comment: PVS1_Strong, PM2_Moderate

Center of Genomic medicine, Geneva, University Hospital of Geneva
Classification: Pathogenic for Hearing loss, autosomal recessive. Last evaluated: 2017-11-20. Review status: criteria provided, single submitter. Criteria: ACMG Guidelines, 2015. Collection method: clinical testing. Allele origin: inherited. Affected: yes.

Center of Genomic medicine, Geneva, University Hospital of Geneva
Classification: Pathogenic for Autosomal recessive nonsyndromic hearing loss 77. Last evaluated: 2017-11-20. Review status: criteria provided, single submitter. Criteria: ACMG Guidelines, 2015. Collection method: clinical testing. Allele origin: maternal. Affected: yes. Observed: 1 variant allele.
Comment: The father could not be tested.

PreventionGenetics, part of Exact Sciences
Classification: Pathogenic for LOXHD1-related condition. Last evaluated: 2024-08-19. Review status: no assertion criteria provided. Collection method: clinical testing. Allele origin: germline. Not counted in ClinVar's aggregate classification.
Comment: The LOXHD1 c.3061+1G>A variant is predicted to disrupt the GT donor site and interfere with normal splicing. This variant has been reported in the compound heterozygous or homozygous state in individuals with hearing loss (Table S4, Zazo Seco et al. 2017. PubMed ID: 28000701; Van Heurck et al 2021. PubMed ID: 34440452; Wesdorp et al. 2018. PubMed ID: 29676012). This variant is reported in 0.0059% of alleles in individuals of African descent in gnomAD. Variants that disrupt the consensus splice donor site in LOXHD1 are expected to be pathogenic. This variant is interpreted as pathogenic.

Literature cited by the submitters: PubMed 16199547 (cited by Labcorp Genetics (formerly Invitae), Labcorp); PubMed 19732867 (cited by Labcorp Genetics (formerly Invitae), Labcorp); PubMed 21465660 (cited by Labcorp Genetics (formerly Invitae), Labcorp); PubMed 25792669 (cited by Labcorp Genetics (formerly Invitae), Labcorp); PubMed 28000701 (cited by Labcorp Genetics (formerly Invitae), Labcorp); PubMed 29676012 (cited by Labcorp Genetics (formerly Invitae), Labcorp and Natera, Inc.); PubMed 37438890 (cited by Natera, Inc.); PubMed 34440452 (cited by Natera, Inc.).

NM_001384474.1(LOXHD1):c.3061+1G>A

Gene: LOXHD1 (lipoxygenase homology PLAT domains 1; minus strand). Cytogenetic location: 18q21.1.
Variant type: single nucleotide variant.
Coding change: c.3061+1G>A on transcript NM_001384474.1 (MANE Select); the canonical splice donor site of the intron after coding-DNA position 3061, G replaced by A.
Molecular consequence: splice donor variant.
Genome position (GRCh38, 1-based): chr18:46,560,082, C>T on the plus strand (G>A on the coding strand, the complement: LOXHD1 is on the minus strand). VCF-style: chr18-46560082-C-T. GRCh37 (hg19) VCF-style: chr18-44140045-C-T.
Other names: c.3061+1G>A (NM_144612.7).
Identifiers: ClinVar variation 523622 (VCV000523622.25), dbSNP rs537227442, ClinGen allele CA299794248.